The following is an entry in ClinVar:

NM_000038.6(APC):c.3899A>C (p.Asn1300Thr)

Gene: APC (APC regulator of Wnt signaling pathway; plus strand). Cytogenetic location: 5q22.2.
Variant type: single nucleotide variant.
Coding change: c.3899A>C on transcript NM_000038.6 (MANE Select); coding-DNA position 3899, A replaced by C.
Protein change: p.Asn1300Thr; replaces asparagine 1300 with threonine.
Molecular consequence: missense variant.
Genome position (GRCh38, 1-based): chr5:112,839,493, A>C. VCF-style: chr5-112839493-A-C. GRCh37 (hg19) VCF-style: chr5-112175190-A-C.
Other names: c.3899A>C, p.Asn1300Thr (NM_001127510.3, NM_001354895.2); c.3845A>C, p.Asn1282Thr (NM_001127511.3); c.3953A>C, p.Asn1318Thr (NM_001354896.2); c.3929A>C, p.Asn1310Thr (NM_001354897.2); c.3824A>C, p.Asn1275Thr (NM_001354898.2); c.3815A>C, p.Asn1272Thr (NM_001354899.2); c.3776A>C, p.Asn1259Thr (NM_001354900.2); c.3722A>C, p.Asn1241Thr (NM_001354901.2); and 5 more; short protein forms N1017T, N1140T, N1174T, N1199T, N1209T, N1241T, N1259T, N1272T.
Identifiers: ClinVar variation 1318476 (VCV001318476.7), dbSNP rs2149901557, ClinGen allele CA16029889.

ClinVar aggregate classification (germline): Uncertain significance. Review status: criteria provided, multiple submitters, no conflicts (2 of 4 stars). 3 submissions from 3 submitters: Uncertain significance (3). Last evaluated 2025-12-11.

Conditions:
Hereditary cancer-predisposing syndrome. Also called: Hereditary neoplastic syndrome; Neoplastic Syndromes, Hereditary; Tumor predisposition; Hereditary Cancer Syndrome. Identifiers: Orphanet 140162, MedGen C0027672, MeSH D009386, MONDO:0015356.
Familial adenomatous polyposis 1 (FAP1). Also called: POLYPOSIS, ADENOMATOUS INTESTINAL; FAMILIAL ADENOMATOUS POLYPOSIS 1, ATTENUATED. Identifiers: MedGen C2713442, MONDO:0021056, OMIM 175100. Disease mechanism: loss of function.

gnomAD v4.1: 1 of 1,614,248 alleles (0.000062%); highest among the groups gnomAD compares: Non-Finnish European, 0.000085%; no homozygotes.

Submissions (3):

Ambry Genetics
Classification: Uncertain significance for Hereditary cancer-predisposing syndrome. Last evaluated: 2025-12-11. Review status: criteria provided, single submitter. Criteria: Ambry Variant Classification Scheme 2023. Collection method: clinical testing. Allele origin: germline.
Comment: The p.N1300T variant (also known as c.3899A>C), located in coding exon 15 of the APC gene, results from an A to C substitution at nucleotide position 3899. The asparagine at codon 1300 is replaced by threonine, an amino acid with similar properties. This amino acid position is conserved. In addition, in silico predictors for this gene do not accurately predict pathogenicity. Missense variants in APC are not a common cause of disease (Spier I et al. Genet Med. 2024 Feb;26(2):100992). Based on the available evidence, the clinical significance of this variant remains unclear.

Labcorp Genetics (formerly Invitae), Labcorp
Classification: Uncertain significance for Familial adenomatous polyposis 1. Last evaluated: 2024-04-04. Review status: criteria provided, single submitter. Criteria: Invitae Variant Classification Sherloc (09022015). Collection method: clinical testing. Allele origin: germline.
Comment: This sequence change replaces asparagine, which is neutral and polar, with threonine, which is neutral and polar, at codon 1300 of the APC protein (p.Asn1300Thr). This variant is not present in population databases (gnomAD no frequency). This variant has not been reported in the literature in individuals affected with APC-related conditions. ClinVar contains an entry for this variant (Variation ID: 1318476). Advanced modeling of protein sequence and biophysical properties (such as structural, functional, and spatial information, amino acid conservation, physicochemical variation, residue mobility, and thermodynamic stability) performed at Invitae indicates that this missense variant is not expected to disrupt APC protein function with a negative predictive value of 95%. In summary, the available evidence is currently insufficient to determine the role of this variant in disease. Therefore, it has been classified as a Variant of Uncertain Significance.

GeneDx
Classification: Uncertain significance. Last evaluated: 2020-03-10. Review status: criteria provided, single submitter. Criteria: GeneDx Variant Classification Process June 2021. Collection method: clinical testing. Allele origin: germline. Affected: yes.
Comment: Not observed in large population cohorts (Lek 2016); In silico analysis supports that this missense variant does not alter protein structure/function; Has not been previously published as pathogenic or benign to our knowledge